The following is an entry in ClinVar:

ClinVar aggregate classification (germline): Uncertain significance. Review status: criteria provided, multiple submitters, no conflicts (2 of 4 stars). 2 submissions from 2 submitters: Uncertain significance (2). Last evaluated 2024-07-05.

Conditions:
Inborn genetic diseases. Identifiers: MedGen C0950123, MeSH D030342.

Allele frequency attached by ClinVar (database versions not stated): gnomAD exomes below 0.00001 and 0.00001; ExAC 0.00001; gnomAD 0.00001; TOPMed 0.00001; ESP Exome Variant Server 0.00008.

Submissions (2):

Ambry Genetics
Classification: Uncertain significance for Inborn genetic diseases. Last evaluated: 2024-07-05. Review status: criteria provided, single submitter. Criteria: Ambry Variant Classification Scheme 2023. Collection method: clinical testing. Allele origin: germline.

Labcorp Genetics (formerly Invitae), Labcorp
Classification: Uncertain significance. Last evaluated: 2021-09-30. Review status: criteria provided, single submitter. Criteria: Invitae Variant Classification Sherloc (09022015). Collection method: clinical testing. Allele origin: germline.
Comment: In summary, the available evidence is currently insufficient to determine the role of this variant in disease. Therefore, it has been classified as a Variant of Uncertain Significance. Algorithms developed to predict the effect of missense changes on protein structure and function are either unavailable or do not agree on the potential impact of this missense change (SIFT: "Deleterious"; PolyPhen-2: "Probably Damaging"; Align-GVGD: "Class C0"). This variant has not been reported in the literature in individuals affected with AGBL5-related conditions. This variant is present in population databases (rs201033068, ExAC 0.01%). This sequence change replaces arginine with histidine at codon 500 of the AGBL5 protein (p.Arg500His). The arginine residue is highly conserved and there is a small physicochemical difference between arginine and histidine.

NM_021831.6(AGBL5):c.1499G>A (p.Arg500His)

Gene: AGBL5 (AGBL carboxypeptidase 5; plus strand). Cytogenetic location: 2p23.3.
Variant type: single nucleotide variant.
Coding change: c.1499G>A on transcript NM_021831.6 (MANE Select); coding-DNA position 1499, G replaced by A.
Protein change: p.Arg500His; replaces arginine 500 with histidine.
Molecular consequence: missense variant. On other transcripts: non-coding transcript variant (2).
Genome position (GRCh38, 1-based): chr2:27,056,756, G>A. VCF-style: chr2-27056756-G-A. GRCh37 (hg19) VCF-style: chr2-27279624-G-A.
Other names: c.1499G>A, p.Arg500His (NM_001035507.3); c.1499G>A (NM_021831.5); short protein forms R500H.
Identifiers: ClinVar variation 1485153 (VCV001485153.7), dbSNP rs201033068, ClinGen allele CA1567885.